The following is an entry in ClinVar:

NM_001165963.4(SCN1A):c.474-1G>A

Gene: SCN1A (sodium voltage-gated channel alpha subunit 1; minus strand). Cytogenetic location: 2q24.3.
Variant type: single nucleotide variant.
Coding change: c.474-1G>A on transcript NM_001165963.4 (MANE Select); the canonical splice acceptor site of the intron before coding-DNA position 474, G replaced by A.
Molecular consequence: splice acceptor variant.
Genome position (GRCh38, 1-based): chr2:166,054,767, C>T on the plus strand (G>A on the coding strand, the complement: SCN1A is on the minus strand). VCF-style: chr2-166054767-C-T. GRCh37 (hg19) VCF-style: chr2-166911277-C-T.
Other names: c.474-1G>A (NM_001353949.2, NM_001353958.2, NM_001353950.2 and 10 more transcripts); c.-1952-1G>A (NM_001353961.2).
Identifiers: ClinVar variation 945039 (VCV000945039.12), dbSNP rs1698962501, ClinGen allele CA349075748.

ClinVar aggregate classification (germline): Pathogenic. Review status: criteria provided, multiple submitters, no conflicts (2 of 4 stars). 2 submissions from 2 submitters: Pathogenic (2). Last evaluated 2023-03-20.

Conditions:
Early-infantile DEE. Also called: Early infantile epileptic encephalopathy with suppression bursts; Early infantile epileptic encephalopathy; Ohtahara syndrome. Identifiers: Orphanet 1934, MedGen C0393706, MONDO:0800491.
Severe myoclonic epilepsy in infancy (DRVT). Also called: SEVERE MYOCLONIC EPILEPSY OF INFANCY; DEVELOPMENTAL AND EPILEPTIC ENCEPHALOPATHY 6A; Severe Myoclonic Epilepsy in Infancy (SMEI); Dravet syndrome; Epileptic encephalopathy, early infantile, 6 (Dravet syndrome). Identifiers: Orphanet 33069, MedGen C0751122, MONDO:0100135, OMIM 607208.

Submissions (2):

Laboratory of Medical Genetics, National & Kapodistrian University of Athens
Classification: Pathogenic for Severe myoclonic epilepsy in infancy. Last evaluated: 2023-03-20. Review status: criteria provided, single submitter. Criteria: ACMG Guidelines, 2015. Collection method: clinical testing. Allele origin: germline. Affected: yes.
Comment: PVS1, PM2, PP5

Labcorp Genetics (formerly Invitae), Labcorp
Classification: Pathogenic for Early-infantile DEE. Last evaluated: 2019-06-21. Review status: criteria provided, single submitter. Criteria: Invitae Variant Classification Sherloc (09022015). Collection method: clinical testing. Allele origin: germline.
Comment: This sequence change affects an acceptor splice site in intron 3 of the SCN1A gene. It is expected to disrupt RNA splicing and likely results in an absent or disrupted protein product. This variant is not present in population databases (ExAC no frequency). Disruption of this splice site has been observed to be de novo in individuals affected with Dravet syndrome (PMID: 21248271, 29314583). Algorithms developed to predict the effect of sequence changes on RNA splicing suggest that this variant may disrupt the consensus splice site, but this prediction has not been confirmed by published transcriptional studies. Donor and acceptor splice site variants typically lead to a loss of protein function (PMID: 16199547), and loss-of-function variants in SCN1A are known to be pathogenic (PMID: 17347258, 18930999). For these reasons, this variant has been classified as Pathogenic.

Literature cited by the submitters: PubMed 21248271 (cited by Labcorp Genetics (formerly Invitae), Labcorp); PubMed 29314583 (cited by Labcorp Genetics (formerly Invitae), Labcorp); PubMed 16199547 (cited by Labcorp Genetics (formerly Invitae), Labcorp); PubMed 17347258 (cited by Labcorp Genetics (formerly Invitae), Labcorp); PubMed 18930999 (cited by Labcorp Genetics (formerly Invitae), Labcorp).